The following is an entry in ClinVar:

NM_022072.5(NSUN3):c.323G>C (p.Gly108Ala)

Gene: NSUN3 (NOP2/Sun RNA methyltransferase 3; plus strand). Cytogenetic location: 3q11.2.
Variant type: single nucleotide variant.
Coding change: c.323G>C on transcript NM_022072.5 (MANE Select); coding-DNA position 323, G replaced by C.
Protein change: p.Gly108Ala; replaces glycine 108 with alanine.
Molecular consequence: missense variant.
Genome position (GRCh38, 1-based): chr3:94,084,307, G>C. VCF-style: chr3-94084307-G-C. GRCh37 (hg19) VCF-style: chr3-93803151-G-C.
Other names: short protein forms G108A.
Identifiers: ClinVar variation 4695726 (VCV004695726.1).

ClinVar aggregate classification (germline): Uncertain significance (1 of 4 stars; one submission).

gnomAD v4.1: 6 of 1,613,904 alleles (0.00037%); highest among the groups gnomAD compares: Admixed American, 0.0067%; no homozygotes.

Submission:

Labcorp Genetics (formerly Invitae), Labcorp
Classification: Uncertain significance. Last evaluated: 2026-01-08. Review status: criteria provided, single submitter. Criteria: Invitae Variant Classification Sherloc (09022015). Collection method: clinical testing. Allele origin: germline.
Comment: This sequence change replaces glycine, which is neutral and non-polar, with alanine, which is neutral and non-polar, at codon 108 of the NSUN3 protein (p.Gly108Ala). This variant is present in population databases (no rsID available, gnomAD 0.006%). This variant has not been reported in the literature in individuals affected with NSUN3-related conditions. An algorithm developed to predict the effect of missense changes on protein structure and function (PolyPhen-2) suggests that this variant is likely to be disruptive. In summary, the available evidence is currently insufficient to determine the role of this variant in disease. Therefore, it has been classified as a Variant of Uncertain Significance.